The following is an entry in ClinVar:

ClinVar aggregate classification (germline): Pathogenic (1 of 4 stars; one submission).

Conditions:
Long QT syndrome (LQTS). Identifiers: MedGen C0023976, MeSH D008133, MONDO:0002442. Disease mechanism: loss of function. Inheritance: Various modes of inheritance.

Submission:

Labcorp Genetics (formerly Invitae), Labcorp
Classification: Pathogenic for Long QT syndrome. Last evaluated: 2025-04-17. Review status: criteria provided, single submitter. Criteria: Invitae Variant Classification Sherloc (09022015). Collection method: clinical testing. Allele origin: germline.
Comment: This sequence change creates a premature translational stop signal (p.Gly183Alafs*18) in the KCNH2 gene. It is expected to result in an absent or disrupted protein product. Loss-of-function variants in KCNH2 are known to be pathogenic (PMID: 10973849, 19862833). This variant is not present in population databases (gnomAD no frequency). This premature translational stop signal has been observed in individual(s) with arrhythmia (PMID: 19716085). ClinVar contains an entry for this variant (Variation ID: 3720792). For these reasons, this variant has been classified as Pathogenic.

Literature cited by the submitters: PubMed 10973849; PubMed 19862833; PubMed 19716085.

NM_000238.4(KCNH2):c.548del (p.Gly183fs)

Gene: KCNH2 (potassium voltage-gated channel subfamily H member 2; minus strand). Cytogenetic location: 7q36.1.
Variant type: Deletion.
Coding change: c.548del on transcript NM_000238.4 (MANE Select); coding-DNA position 548, one base deleted (G; older notation c.548delG).
Protein change: p.Gly183fs; shifts the reading frame from glycine 183.
Molecular consequence: frameshift variant. On other transcripts: non-coding transcript variant (1).
Genome position (GRCh38, 1-based): chr7:150,958,427, C deleted on the plus strand (G on the coding strand, the reverse complement: KCNH2 is on the minus strand); the first of 3 consecutive C bases (chr7:150,958,427-150,958,429); deleting any one gives the same sequence. VCF-style (leftmost placement, unchanged base first): chr7-150958426-GC-G. GRCh37 (hg19) VCF-style: chr7-150655514-GC-G.
Other names: c.260del, p.Gly87fs (NM_001406753.1, NM_001406756.1); c.371del, p.Gly124fs (NM_001406755.1); c.248del, p.Gly83fs (NM_001406757.1); c.548del, p.Gly183fs (NM_172056.3); short protein forms G124fs, G83fs, G183fs, G87fs.
Identifiers: ClinVar variation 3720792 (VCV003720792.2).